The following is an entry in ClinVar:

ClinVar aggregate classification (germline): Uncertain significance. Review status: criteria provided, multiple submitters, no conflicts (2 of 4 stars). 2 submissions from 2 submitters: Uncertain significance (2). Last evaluated 2024-10-07.

Conditions:
Cardiovascular phenotype. Identifiers: MedGen CN230736.
Catecholaminergic polymorphic ventricular tachycardia 1. Also called: VENTRICULAR TACHYCARDIA, CATECHOLAMINERGIC POLYMORPHIC, 1, WITH OR WITHOUT ATRIAL DYSFUNCTION AND/OR DILATED CARDIOMYOPATHY; VENTRICULAR TACHYCARDIA, STRESS-INDUCED POLYMORPHIC 1; RYR2-Related Catecholaminergic Polymorphic Ventricular Tachycardia. Identifiers: Orphanet 3286, MedGen C1631597, MONDO:0011484, OMIM 604772.

Allele frequency attached by ClinVar (database versions not stated): gnomAD exomes below 0.00001; gnomAD 0.00001; TOPMed 0.00001.
gnomAD v4.1: 4 of 1,574,266 alleles (0.00025%); highest among the groups gnomAD compares: African/African-American, 0.0054%; no homozygotes.

Submissions (2):

Ambry Genetics
Classification: Uncertain significance for Cardiovascular phenotype. Last evaluated: 2024-10-07. Review status: criteria provided, single submitter. Criteria: Ambry Variant Classification Scheme 2023. Collection method: clinical testing. Allele origin: germline.
Comment: The p.E119K variant (also known as c.355G>A), located in coding exon 3 of the TRDN gene, results from a G to A substitution at nucleotide position 355. The glutamic acid at codon 119 is replaced by lysine, an amino acid with similar properties. This amino acid position is poorly conserved in available vertebrate species. In addition, this alteration is predicted to be tolerated by in silico analysis. Since supporting evidence is limited at this time, the clinical significance of this alteration remains unclear.

Labcorp Genetics (formerly Invitae), Labcorp
Classification: Uncertain significance for Catecholaminergic polymorphic ventricular tachycardia 1. Last evaluated: 2022-03-12. Review status: criteria provided, single submitter. Criteria: Invitae Variant Classification Sherloc (09022015). Collection method: clinical testing. Allele origin: germline.
Comment: This variant has not been reported in the literature in individuals affected with TRDN-related conditions. This sequence change replaces glutamic acid, which is acidic and polar, with lysine, which is basic and polar, at codon 119 of the TRDN protein (p.Glu119Lys). The frequency data for this variant in the population databases is considered unreliable, as metrics indicate poor data quality at this position in the gnomAD database. Algorithms developed to predict the effect of missense changes on protein structure and function are either unavailable or do not agree on the potential impact of this missense change (SIFT: "Tolerated"; PolyPhen-2: "Not Available"; Align-GVGD: "Class C0"). In summary, the available evidence is currently insufficient to determine the role of this variant in disease. Therefore, it has been classified as a Variant of Uncertain Significance.

NM_006073.4(TRDN):c.355G>A (p.Glu119Lys)

Gene: TRDN (triadin; minus strand). Cytogenetic location: 6q22.31.
Variant type: single nucleotide variant.
Coding change: c.355G>A on transcript NM_006073.4 (MANE Select); coding-DNA position 355, G replaced by A.
Protein change: p.Glu119Lys; replaces glutamic acid 119 with lysine.
Molecular consequence: missense variant.
Genome position (GRCh38, 1-based): chr6:123,548,490, C>T on the plus strand (G>A on the coding strand, the complement: TRDN is on the minus strand). VCF-style: chr6-123548490-C-T. GRCh37 (hg19) VCF-style: chr6-123869635-C-T.
Other names: c.355G>A, p.Glu119Lys (NM_001256021.2, NM_001256022.2, NM_001407315.1 and 2 more transcripts); short protein forms E119K.
Identifiers: ClinVar variation 1732687 (VCV001732687.7), dbSNP rs981200594, ClinGen allele CA147297274.